The following is an entry in ClinVar:

NM_000051.4(ATM):c.4963del (p.Ser1655fs)

Gene: ATM (ATM serine/threonine kinase; plus strand). Cytogenetic location: 11q22.3.
Variant type: Deletion.
Coding change: c.4963del on transcript NM_000051.4 (MANE Select); coding-DNA position 4963, one base deleted (T; older notation c.4963delT).
Protein change: p.Ser1655fs; shifts the reading frame from serine 1655.
Molecular consequence: frameshift variant.
Genome position (GRCh38, 1-based): chr11:108,297,340, T deleted. VCF-style (leftmost placement, unchanged base first): chr11-108297339-AT-A. GRCh37 (hg19) VCF-style: chr11-108168066-AT-A.
Other names: c.4963del, p.Ser1655fs (NM_001351834.2); short protein forms S1655fs.
Identifiers: ClinVar variation 4866790 (VCV004866790.1).

ClinVar aggregate classification (germline): Pathogenic (1 of 4 stars; one submission).

Conditions:
Hereditary cancer-predisposing syndrome. Also called: Neoplastic Syndromes, Hereditary; Tumor predisposition; Hereditary Cancer Syndrome; Hereditary neoplastic syndrome. Identifiers: Orphanet 140162, MedGen C0027672, MeSH D009386, MONDO:0015356.

Submission:

Ambry Genetics
Classification: Pathogenic for Hereditary cancer-predisposing syndrome. Last evaluated: 2026-05-19. Review status: criteria provided, single submitter. Criteria: Ambry Variant Classification Scheme 2023. Collection method: clinical testing. Allele origin: germline.
Comment: The c.4963delT pathogenic mutation, located in coding exon 32 of the ATM gene, results from a deletion of one nucleotide at nucleotide position 4963, causing a translational frameshift with a predicted alternate stop codon (p.S1655Pfs*5). This variant is considered to be rare based on population cohorts in the Genome Aggregation Database (gnomAD). This variant is expected to result in loss of function by premature protein truncation or nonsense-mediated mRNA decay. As such, this variant is interpreted as a disease-causing mutation.